The following is an entry in ClinVar:

ClinVar aggregate classification (germline): Uncertain significance (1 of 4 stars; one submission).

Submission:

Labcorp Genetics (formerly Invitae), Labcorp
Classification: Uncertain significance. Last evaluated: 2022-07-27. Review status: criteria provided, single submitter. Criteria: Invitae Variant Classification Sherloc (09022015). Collection method: clinical testing. Allele origin: germline.
Comment: In summary, the available evidence is currently insufficient to determine the role of this variant in disease. Therefore, it has been classified as a Variant of Uncertain Significance. Algorithms developed to predict the effect of missense changes on protein structure and function (SIFT, PolyPhen-2, Align-GVGD) all suggest that this variant is likely to be disruptive. This variant has not been reported in the literature in individuals affected with TRPC3-related conditions. This variant is not present in population databases (gnomAD no frequency). This sequence change replaces serine, which is neutral and polar, with arginine, which is basic and polar, at codon 296 of the TRPC3 protein (p.Ser296Arg).

NM_001130698.2(TRPC3):c.888C>G (p.Ser296Arg)

Gene: TRPC3 (transient receptor potential cation channel subfamily C member 3; minus strand). Cytogenetic location: 4q27.
Variant type: single nucleotide variant.
Coding change: c.888C>G on transcript NM_001130698.2 (MANE Select); coding-DNA position 888, C replaced by G.
Protein change: p.Ser296Arg; replaces serine 296 with arginine.
Molecular consequence: missense variant.
Genome position (GRCh38, 1-based): chr4:121,932,370, G>C on the plus strand (C>G on the coding strand, the complement: TRPC3 is on the minus strand). VCF-style: chr4-121932370-G-C. GRCh37 (hg19) VCF-style: chr4-122853525-G-C.
Other names: c.888C>G, p.Ser296Arg (NM_001366479.2); c.669C>G, p.Ser223Arg (NM_003305.2); short protein forms S223R, S296R.
Identifiers: ClinVar variation 2019859 (VCV002019859.4), dbSNP rs2476940327, ClinGen allele CA358046742.
Genomic context (GRCh38, chr4:121,932,370, plus strand): 5'-GTTGCTGAGCTCTAGGGCCGTAAGCACCGGGTCCTCGCTGGACAATGAGAGGTAAGCCGG[G>C]CTGGCCAGCCCCTTGTAGGCATTGATCCTCGAGCGTGAGTGGCTGAAGGAGTCGTGCCTC-3'
Protein context (NP_001124170.1, residues 286-306): SRINAYKGLA[Ser296Arg]PAYLSLSSED